The following is an entry in ClinVar:

ClinVar aggregate classification (germline): Likely benign. Review status: criteria provided, multiple submitters, no conflicts (2 of 4 stars). 2 submissions from 2 submitters: Likely benign (2). Last evaluated 2024-10-13.

Conditions:
CRB1-related disorder. Also called: CRB1-related disorders; CRB1-related condition.
Retinitis pigmentosa 12 (RP12). Also called: RP WITH OR WITHOUT PPRPE; RP WITH OR WITHOUT PRESERVED PARAARTERIOLE RETINAL PIGMENT EPITHELIUM; RETINITIS PIGMENTOSA WITH OR WITHOUT PARAARTERIOLAR PRESERVATION OF RETINAL PIGMENT EPITHELIUM. Identifiers: Orphanet 791, MedGen C1838647, MONDO:0010818, OMIM 600105.
Leber congenital amaurosis 8 (LCA8). Identifiers: Orphanet 65, MedGen C3151202, MONDO:0013453, OMIM 613835.

Allele frequency attached by ClinVar (database versions not stated): gnomAD exomes 0.00002; TOPMed 0.00003.
gnomAD v4.1: 6 of 1,613,868 alleles (0.00037%); highest among the groups gnomAD compares: Admixed American, 0.01%; no homozygotes.

Submissions (2):

PreventionGenetics, part of Exact Sciences
Classification: Likely benign for CRB1-related condition. Last evaluated: 2024-10-13. Review status: criteria provided, single submitter. Criteria: ACMG Guidelines, 2015. Collection method: clinical testing. Allele origin: germline.
Comment: This variant is classified as likely benign based on ACMG/AMP sequence variant interpretation guidelines (Richards et al. 2015 PMID: 25741868, with internal and published modifications).

Labcorp Genetics (formerly Invitae), Labcorp
Classification: Likely benign for Leber congenital amaurosis 8; Retinitis pigmentosa 12. Last evaluated: 2023-08-04. Review status: criteria provided, single submitter. Criteria: Invitae Variant Classification Sherloc (09022015). Collection method: clinical testing. Allele origin: germline.

NM_201253.3(CRB1):c.3381A>G (p.Lys1127=)

Gene: CRB1 (crumbs cell polarity complex component 1; plus strand). Cytogenetic location: 1q31.3.
Variant type: single nucleotide variant.
Coding change: c.3381A>G on transcript NM_201253.3 (MANE Select); coding-DNA position 3381, A replaced by G.
Protein change: p.Lys1127=; no amino-acid change (lysine 1127 retained).
Molecular consequence: synonymous variant. On other transcripts: non-coding transcript variant (2), intron variant (1).
Genome position (GRCh38, 1-based): chr1:197,435,244, A>G. VCF-style: chr1-197435244-A-G. GRCh37 (hg19) VCF-style: chr1-197404374-A-G.
Other names: c.3045A>G, p.Lys1015= (NM_001193640.2); c.3309A>G, p.Lys1103= (NM_001257965.2); c.2129-356A>G (NM_001257966.2); c.3381A>G (NM_201253.2).
Identifiers: ClinVar variation 1661213 (VCV001661213.9), dbSNP rs1327880181, ClinGen allele CA422809272.
Genomic context (GRCh38, chr1:197,435,244, plus strand): 5'-CTCTTACTTTGAAAATGTTCATGGTTTCATTAATAAACCTCAGGAAGAGCAATTTCTCAA[A>G]ATCTCTACCAATTCAGTGGTCACTGGCTGTTTGCAGTTAAATGTCTGCAACTCCAACCCC-3'
Protein context (NP_957705.1, residues 1117-1137): INKPQEEQFL[Lys1127=]ISTNSVVTGC